The following is an entry in ClinVar:

ClinVar aggregate classification (germline): Conflicting classifications of pathogenicity. Review status: criteria provided, conflicting classifications (1 of 4 stars). 3 submissions from 3 submitters: Uncertain significance (1); Likely benign (2). Last evaluated 2025-02-04.

Conditions:
Hereditary cancer-predisposing syndrome. Also called: Hereditary neoplastic syndrome; Tumor predisposition; Neoplastic Syndromes, Hereditary; Hereditary Cancer Syndrome. Identifiers: Orphanet 140162, MedGen C0027672, MeSH D009386, MONDO:0015356.
Ataxia-telangiectasia syndrome (AT). Also called: LOUIS-BAR SYNDROME; Ataxia telangiectasia (A-T); Cerebello-oculocutaneous telangiectasia; Immunodeficiency with ataxia telangiectasia; Ataxia-telangiectasia; Ataxia-telangiectasia, complementation group D. Identifiers: Orphanet 100, MedGen C0004135, MONDO:0008840, OMIM 208900.
Familial cancer of breast. Also called: Hereditary breast cancer; BREAST CANCER, FAMILIAL; hereditary breast carcinoma. Identifiers: Orphanet 227535, MedGen C0346153, MONDO:0016419, OMIM 114480. Disease mechanism: loss of function.

Submissions (3):

Ambry Genetics
Classification: Uncertain significance for Hereditary cancer-predisposing syndrome. Last evaluated: 2025-02-04. Review status: criteria provided, single submitter. Criteria: Ambry Variant Classification Scheme 2023. Collection method: clinical testing. Allele origin: germline.
Comment: The c.5675-5G>C intronic variant results from a G to C substitution 5 nucleotides upstream from coding exon 37 in the ATM gene. This nucleotide position is not well conserved in available vertebrate species. In silico splice site analysis predicts that this alteration will not have any significant effect on splicing. Based on the available evidence, the clinical significance of this variant remains unclear.

Myriad Genetics, Inc.
Classification: Likely benign for Familial cancer of breast. Last evaluated: 2024-05-24. Review status: criteria provided, single submitter. Criteria: Myriad Autosomal Dominant, Autosomal Recessive and X-Linked Classification Criteria (2023). Collection method: clinical testing. Allele origin: unknown.
Comment: This variant is considered likely benign. This variant is intronic and is not expected to impact mRNA splicing.

Labcorp Genetics (formerly Invitae), Labcorp
Classification: Likely benign for Ataxia-telangiectasia syndrome. Last evaluated: 2024-05-12. Review status: criteria provided, single submitter. Criteria: Invitae Variant Classification Sherloc (09022015). Collection method: clinical testing. Allele origin: germline.

NM_000051.4(ATM):c.5675-5G>C

Gene: ATM (ATM serine/threonine kinase; plus strand). Cytogenetic location: 11q22.3.
Variant type: single nucleotide variant.
Coding change: c.5675-5G>C on transcript NM_000051.4 (MANE Select); 5 bases into the intron before coding-DNA position 5675, G replaced by C.
Molecular consequence: intron variant.
Genome position (GRCh38, 1-based): chr11:108,307,892, G>C. VCF-style: chr11-108307892-G-C. GRCh37 (hg19) VCF-style: chr11-108178619-G-C.
Other names: c.5675-5G>C (NM_000051.3, NM_001351834.2).
Identifiers: ClinVar variation 1146693 (VCV001146693.11), dbSNP rs1591731701, ClinGen allele CA2499220661.
Genomic context (GRCh38, chr11:108,307,892, plus strand): 5'-CAAGAAGGAAGAAGGTGTGTAAGCAAGAATGCCTGGGACTGAGGGGAGATATTTTTGTTT[G>C]TCAGAGTCAGAGCACTTTTTCCGATGCTGTTTGGATAAAAAATCACAAAGAACAATGCTT-3'